The following is an entry in ClinVar:

ClinVar aggregate classification (germline): Uncertain significance (1 of 4 stars; one submission).

Allele frequency attached by ClinVar (database versions not stated): ExAC 0.00001; gnomAD exomes 0.00001; TOPMed 0.00006; gnomAD 0.00013.
gnomAD v4.1: 26 of 1,610,904 alleles (0.0016%); highest among the groups gnomAD compares: African/African-American, 0.035%; no homozygotes.

Submission:

Labcorp Genetics (formerly Invitae), Labcorp
Classification: Uncertain significance. Last evaluated: 2023-12-21. Review status: criteria provided, single submitter. Criteria: Invitae Variant Classification Sherloc (09022015). Collection method: clinical testing. Allele origin: germline.
Comment: This sequence change replaces glutamic acid, which is acidic and polar, with glycine, which is neutral and non-polar, at codon 107 of the RUSC2 protein (p.Glu107Gly). This variant is present in population databases (rs747547439, gnomAD 0.03%). This variant has not been reported in the literature in individuals affected with RUSC2-related conditions. ClinVar contains an entry for this variant (Variation ID: 2413313). Algorithms developed to predict the effect of missense changes on protein structure and function output the following: SIFT: "Not Available"; PolyPhen-2: "Benign"; Align-GVGD: "Not Available". The glycine amino acid residue is found in multiple mammalian species, which suggests that this missense change does not adversely affect protein function. In summary, the available evidence is currently insufficient to determine the role of this variant in disease. Therefore, it has been classified as a Variant of Uncertain Significance.

NM_014806.5(RUSC2):c.320A>G (p.Glu107Gly)

Gene: RUSC2 (RUN and SH3 domain containing 2; plus strand). Cytogenetic location: 9p13.3.
Variant type: single nucleotide variant.
Coding change: c.320A>G on transcript NM_014806.5 (MANE Select); coding-DNA position 320, A replaced by G.
Protein change: p.Glu107Gly; replaces glutamic acid 107 with glycine.
Molecular consequence: missense variant. On other transcripts: non-coding transcript variant (1), intron variant (1).
Genome position (GRCh38, 1-based): chr9:35,546,841, A>G. VCF-style: chr9-35546841-A-G. GRCh37 (hg19) VCF-style: chr9-35546838-A-G.
Other names: c.320A>G, p.Glu107Gly (NM_001135999.2); c.-620-8219A>G (NM_001330740.2); short protein forms E107G.
Identifiers: ClinVar variation 2413313 (VCV002413313.4), dbSNP rs747547439, ClinGen allele CA5043444.